The following is an entry in ClinVar:

ClinVar aggregate classification (germline): Uncertain significance (1 of 4 stars; one submission).

Submission:

Labcorp Genetics (formerly Invitae), Labcorp
Classification: Uncertain significance. Last evaluated: 2024-10-30. Review status: criteria provided, single submitter. Criteria: Invitae Variant Classification Sherloc (09022015). Collection method: clinical testing. Allele origin: germline.
Comment: This sequence change replaces aspartic acid, which is acidic and polar, with glycine, which is neutral and non-polar, at codon 147 of the IRF9 protein (p.Asp147Gly). This variant is not present in population databases (gnomAD no frequency). This variant has not been reported in the literature in individuals affected with IRF9-related conditions. An algorithm developed to predict the effect of missense changes on protein structure and function outputs the following: PolyPhen-2: "Benign". The glycine amino acid residue is found in multiple mammalian species, which suggests that this missense change does not adversely affect protein function. In summary, the available evidence is currently insufficient to determine the role of this variant in disease. Therefore, it has been classified as a Variant of Uncertain Significance.

NM_006084.5(IRF9):c.440A>G (p.Asp147Gly)

Gene: IRF9 (interferon regulatory factor 9; plus strand). Cytogenetic location: 14q12.
Variant type: single nucleotide variant.
Coding change: c.440A>G on transcript NM_006084.5 (MANE Select); coding-DNA position 440, A replaced by G.
Protein change: p.Asp147Gly; replaces aspartic acid 147 with glycine.
Molecular consequence: missense variant.
Genome position (GRCh38, 1-based): chr14:24,163,453, A>G. VCF-style: chr14-24163453-A-G. GRCh37 (hg19) VCF-style: chr14-24632662-A-G.
Other names: c.440A>G, p.Asp147Gly (NM_001385400.1, NM_001385401.1, NM_001385402.1); short protein forms D147G.
Identifiers: ClinVar variation 3683474 (VCV003683474.2).